The following is an entry in ClinVar:

ClinVar aggregate classification (germline): Uncertain significance. Review status: criteria provided, multiple submitters, no conflicts (2 of 4 stars). 3 submissions from 3 submitters: Uncertain significance (3). Last evaluated 2026-03-31.

Conditions:
Hereditary cancer-predisposing syndrome. Also called: Hereditary neoplastic syndrome; Neoplastic Syndromes, Hereditary; Tumor predisposition; Hereditary Cancer Syndrome. Identifiers: Orphanet 140162, MedGen C0027672, MeSH D009386, MONDO:0015356.
Familial meningioma. Also called: Meningioma, familial, susceptibility to. Identifiers: Orphanet 263662, MedGen C3551915, MONDO:0011789, OMIM 607174.

Allele frequency attached by ClinVar (database versions not stated): gnomAD exomes below 0.00001; ExAC 0.00001; ESP Exome Variant Server 0.00008.

Submissions (3):

Ambry Genetics
Classification: Uncertain significance for Hereditary cancer-predisposing syndrome. Last evaluated: 2026-03-31. Review status: criteria provided, single submitter. Criteria: Ambry Variant Classification Scheme 2023. Collection method: clinical testing. Allele origin: germline.
Comment: The p.E110D variant (also known as c.330A>C), located in coding exon 5 of the SMARCE1 gene, results from an A to C substitution at nucleotide position 330. The glutamic acid at codon 110 is replaced by aspartic acid, an amino acid with highly similar properties. This amino acid position is highly conserved in available vertebrate species. In addition, the in silico prediction for this alteration is inconclusive. Based on the available evidence, the clinical significance of this variant remains unclear.

Baylor Genetics
Classification: Uncertain significance for Familial meningioma. Last evaluated: 2024-03-26. Review status: criteria provided, single submitter. Criteria: ACMG Guidelines, 2015. Collection method: clinical testing. Allele origin: unknown.

Labcorp Genetics (formerly Invitae), Labcorp
Classification: Uncertain significance for Familial meningioma. Last evaluated: 2020-10-12. Review status: criteria provided, single submitter. Criteria: Invitae Variant Classification Sherloc (09022015). Collection method: clinical testing. Allele origin: germline.
Comment: In summary, the available evidence is currently insufficient to determine the role of this variant in disease. Therefore, it has been classified as a Variant of Uncertain Significance. Algorithms developed to predict the effect of missense changes on protein structure and function are either unavailable or do not agree on the potential impact of this missense change (SIFT: "Tolerated"; PolyPhen-2: "Possibly Damaging"; Align-GVGD: "Class C0"). This variant has not been reported in the literature in individuals with SMARCE1-related conditions. This variant is present in population databases (rs372964610, ExAC 0.01%). This sequence change replaces glutamic acid with aspartic acid at codon 110 of the SMARCE1 protein (p.Glu110Asp). The glutamic acid residue is moderately conserved and there is a small physicochemical difference between glutamic acid and aspartic acid.

NM_003079.5(SMARCE1):c.330A>C (p.Glu110Asp)

Gene: SMARCE1 (SWI/SNF related BAF chromatin remodeling complex subunit E1; minus strand). Cytogenetic location: 17q21.2.
Variant type: single nucleotide variant.
Coding change: c.330A>C on transcript NM_003079.5 (MANE Select); coding-DNA position 330, A replaced by C.
Protein change: p.Glu110Asp; replaces glutamic acid 110 with aspartic acid.
Molecular consequence: missense variant.
Genome position (GRCh38, 1-based): chr17:40,636,434, T>G on the plus strand (A>C on the coding strand, the complement: SMARCE1 is on the minus strand). VCF-style: chr17-40636434-T-G. GRCh37 (hg19) VCF-style: chr17-38792686-T-G.
Other names: c.330A>C (NM_003079.4); short protein forms E110D.
Identifiers: ClinVar variation 1058881 (VCV001058881.11), dbSNP rs372964610, ClinGen allele CA8545270.
Genomic context (GRCh38, chr17:40,636,434, plus strand): 5'-CACTGTGAGCCCCTACCCTACCTTTTCTGCTTCGTATTCGTTTAAATATTCTTGTTTTTC[T>G]TCATCAGTGAGATCTCGCCACATGCCACCAATAATCTTGCCAATCTCCCACAACTTTAGG-3'
Protein context (NP_003070.3, residues 100-120): IGGMWRDLTD[Glu110Asp]EKQEYLNEYE